The following is an entry in ClinVar:

NM_001127217.3(SMAD9):c.369A>C (p.Glu123Asp)

Gene: SMAD9 (SMAD family member 9; minus strand). Cytogenetic location: 13q13.3.
Variant type: single nucleotide variant.
Coding change: c.369A>C on transcript NM_001127217.3 (MANE Select); coding-DNA position 369, A replaced by C.
Protein change: p.Glu123Asp; replaces glutamic acid 123 with aspartic acid.
Molecular consequence: missense variant.
Genome position (GRCh38, 1-based): chr13:36,879,321, T>G on the plus strand (A>C on the coding strand, the complement: SMAD9 is on the minus strand). VCF-style: chr13-36879321-T-G. GRCh37 (hg19) VCF-style: chr13-37453458-T-G.
Other names: c.369A>C, p.Glu123Asp (NM_001378621.1, NM_005905.6); short protein forms E123D.
Identifiers: ClinVar variation 4738586 (VCV004738586.1).
Genomic context (GRCh38, chr13:36,879,321, plus strand): 5'-TCGTAAAGACGACCCACCTGGAGTCTCCACCCGGCGGTAGTGGTAAGGGTTAATGCACAC[T>G]TCTTTCTGCTTGGAGCCAAATGGGAACTCACAGCACTCCAGCGGCTTCAGCTCGTGGTGG-3'
Protein context (NP_001120689.1, residues 113-133): CEFPFGSKQK[Glu123Asp]VCINPYHYRR

ClinVar aggregate classification (germline): Uncertain significance (1 of 4 stars; one submission).

Conditions:
Pulmonary hypertension, primary, 2. Identifiers: Orphanet 422, MedGen C3888002, MONDO:0014134, OMIM 615342.

Submission:

Labcorp Genetics (formerly Invitae), Labcorp
Classification: Uncertain significance for Pulmonary hypertension, primary, 2. Last evaluated: 2025-12-29. Review status: criteria provided, single submitter. Criteria: Invitae Variant Classification Sherloc (09022015). Collection method: clinical testing. Allele origin: germline.
Comment: This sequence change replaces glutamic acid, which is acidic and polar, with aspartic acid, which is acidic and polar, at codon 123 of the SMAD9 protein (p.Glu123Asp). This variant is not present in population databases (gnomAD no frequency). This variant has not been reported in the literature in individuals affected with SMAD9-related conditions. Invitae Evidence Modeling of protein sequence and biophysical properties (such as structural, functional, and spatial information, amino acid conservation, physicochemical variation, residue mobility, and thermodynamic stability) indicates that this missense variant is not expected to disrupt SMAD9 protein function with a negative predictive value of 80%. In summary, the available evidence is currently insufficient to determine the role of this variant in disease. Therefore, it has been classified as a Variant of Uncertain Significance.